The following is an entry in ClinVar:

ClinVar aggregate classification (germline): Likely benign (1 of 4 stars; one submission).

gnomAD v4.1: 113 of 1,165,241 alleles (0.0097%); highest among the groups gnomAD compares: Middle Eastern, 0.046%; no homozygotes.

Submission:

CeGaT Center for Human Genetics Tuebingen
Classification: Likely benign. Last evaluated: 2024-02-01. Review status: criteria provided, single submitter. Criteria: CeGaT Center For Human Genetics Tuebingen Variant Classification Criteria Version 2. Collection method: clinical testing. Allele origin: germline. Affected: yes. Observed: 1 variant allele.
Comment: CFAP47: BP4, BS2

NM_001304548.2(CFAP47):c.9509T>C (p.Ile3170Thr)

Genes: CFAP47 (cilia and flagella associated protein 47; plus strand), LOC101928627 (uncharacterized LOC101928627; minus strand). Cytogenetic location: Xp21.1.
Variant type: single nucleotide variant.
Coding change: c.9509T>C on transcript NM_001304548.2 (MANE Select); coding-DNA position 9509, T replaced by C.
Protein change: p.Ile3170Thr; replaces isoleucine 3170 with threonine.
Molecular consequence: missense variant.
Genome position (GRCh38, 1-based): chrX:36,384,951, T>C. VCF-style: chrX-36384951-T-C. GRCh37 (hg19) VCF-style: chrX-36403066-T-C.
Other names: short protein forms I3170T.
Identifiers: ClinVar variation 3341690 (VCV003341690.16).
Genomic context (GRCh38, chrX:36,384,951, plus strand): 5'-AGACACATGACAACATGCCAGTCCGTCCACATAATTTTGTCCGTGAAAATACTAAACTCA[T>C]AAGAACAGGGGTGTCTTCCACCATCAAGGGTGCTCCTTTGGTGAAGAATCAATAAAATTT-3'
Protein context (NP_001291477.1, residues 3160-3180): HNFVRENTKL[Ile3170Thr]RTGVSSTIKG